The following is an entry in ClinVar:

ClinVar aggregate classification (germline): Uncertain significance (1 of 4 stars; one submission).

Conditions:
Long QT syndrome (LQTS). Identifiers: MedGen C0023976, MeSH D008133, MONDO:0002442. Disease mechanism: loss of function. Inheritance: Various modes of inheritance.

gnomAD v4.1: 2 of 1,613,970 alleles (0.00012%); highest among the groups gnomAD compares: Non-Finnish European, 0.00017%; no homozygotes.

Submission:

Labcorp Genetics (formerly Invitae), Labcorp
Classification: Uncertain significance for Long QT syndrome. Last evaluated: 2024-07-22. Review status: criteria provided, single submitter. Criteria: Invitae Variant Classification Sherloc (09022015). Collection method: clinical testing. Allele origin: germline.
Comment: This sequence change replaces proline, which is neutral and non-polar, with serine, which is neutral and polar, at codon 2538 of the ANK2 protein (p.Pro2538Ser). This variant is present in population databases (no rsID available, gnomAD 0.0009%). This variant has not been reported in the literature in individuals affected with ANK2-related conditions. Advanced modeling of protein sequence and biophysical properties (such as structural, functional, and spatial information, amino acid conservation, physicochemical variation, residue mobility, and thermodynamic stability) performed at Invitae indicates that this missense variant is expected to disrupt ANK2 protein function with a positive predictive value of 80%. In summary, the available evidence is currently insufficient to determine the role of this variant in disease. Therefore, it has been classified as a Variant of Uncertain Significance.

NM_001148.6(ANK2):c.7612C>T (p.Pro2538Ser)

Genes: ANK2 (ankyrin 2; plus strand), LOC126807137 (CDK7 strongly-dependent group 2 enhancer GRCh37_chr4:114276560-114277759; plus strand). Cytogenetic location: 4q26.
Variant type: single nucleotide variant.
Coding change: c.7612C>T on transcript NM_001148.6 (MANE Select); coding-DNA position 7612, C replaced by T.
Protein change: p.Pro2538Ser; replaces proline 2538 with serine.
Molecular consequence: missense variant. On other transcripts: intron variant (68).
Genome position (GRCh38, 1-based): chr4:113,356,230, C>T. VCF-style: chr4-113356230-C-T. GRCh37 (hg19) VCF-style: chr4-114277386-C-T.
Other names: c.7378C>T, p.Pro2460Ser (NM_001386142.1); c.4012C>T, p.Pro1338Ser (NM_001386166.1); c.7753C>T, p.Pro2585Ser (NM_001386174.1); c.7729C>T, p.Pro2577Ser (NM_001386175.1); c.4412-4593C>T (NM_001386186.2, NM_001386148.2); c.4214-4593C>T (NM_001354269.3); c.4292-4593C>T (NM_001386187.2); c.4253-4593C>T (NM_001386147.1); and 35 more; short protein forms P1338S, P2460S, P2577S, P2538S, P2585S.
Identifiers: ClinVar variation 3660191 (VCV003660191.2).